The following is an entry in ClinVar:

NM_005702.4(ERAL1):c.542A>G (p.His181Arg)

Genes: ERAL1 (Era like 12S mitochondrial rRNA chaperone 1; plus strand), LOC126862526 (BRD4-independent group 4 enhancer GRCh37_chr17:27185111-27186310; plus strand). Cytogenetic location: 17q11.2.
Variant type: single nucleotide variant.
Coding change: c.542A>G on transcript NM_005702.4 (MANE Select); coding-DNA position 542, A replaced by G.
Protein change: p.His181Arg; replaces histidine 181 with arginine.
Molecular consequence: missense variant. On other transcripts: non-coding transcript variant (1).
Genome position (GRCh38, 1-based): chr17:28,858,151, A>G. VCF-style: chr17-28858151-A-G. GRCh37 (hg19) VCF-style: chr17-27185169-A-G.
Other names: c.539A>G, p.His180Arg (NM_001317985.2); c.542A>G, p.His181Arg (NM_001317986.2); short protein forms H180R, H181R.
Identifiers: ClinVar variation 3049212 (VCV003049212.2), dbSNP rs139024598, ClinGen allele CA8468645.
Genomic context (GRCh38, chr17:28,858,151, plus strand): 5'-TCAGAAATGCCTTAGTCATAAGACCTTTCCTGACTGATGTATGTCTGTCCCTCAGGCATC[A>G]CCTGGAGCTCTCTTTGTTGGAAGATCCATGGAAGAGCATGGAATCTGCTGATCTTGGTTA-3'
Protein context (NP_005693.1, residues 171-191): IISPGKQKRH[His181Arg]LELSLLEDPW

ClinVar aggregate classification (germline): Likely benign (0 of 4 stars; one submission).

Conditions:
ERAL1-related disorder. Also called: ERAL1-related condition.

Allele frequency attached by ClinVar (database versions not stated): gnomAD exomes 0.00010; ExAC 0.00038; 1000 Genomes Project 30x 0.00078; 1000 Genomes Project 0.00100; gnomAD 0.00105; TOPMed 0.00141; ESP Exome Variant Server 0.00169.
gnomAD v4.1: 331 of 1,614,074 alleles (0.021%); highest among the groups gnomAD compares: African/African-American, 0.37%; no homozygotes.

Submission:

PreventionGenetics, part of Exact Sciences
Classification: Likely benign for ERAL1-related condition. Last evaluated: 2024-03-05. Review status: no assertion criteria provided. Collection method: clinical testing. Allele origin: germline.
Comment: This variant is classified as likely benign based on ACMG/AMP sequence variant interpretation guidelines (Richards et al. 2015 PMID: 25741868, with internal and published modifications).